The following is an entry in ClinVar:

ClinVar aggregate classification (germline): Uncertain significance. Review status: criteria provided, multiple submitters, no conflicts (2 of 4 stars). 3 submissions from 3 submitters: Uncertain significance (3). Last evaluated 2025-07-19.

Conditions:
Hereditary cancer-predisposing syndrome. Also called: Neoplastic Syndromes, Hereditary; Tumor predisposition; Hereditary neoplastic syndrome; Hereditary Cancer Syndrome. Identifiers: Orphanet 140162, MedGen C0027672, MeSH D009386, MONDO:0015356.
Hereditary breast ovarian cancer syndrome. Also called: Hereditary breast and ovarian cancer syndrome; Hereditary breast and ovarian cancer; Hereditary breast and ovarian cancer syndrome (HBOC); Breast and ovarian cancer; Hereditary breast and/or ovarian cancer syndrome; BRCA1- and BRCA2-Associated Hereditary Breast and Ovarian Cancer. Identifiers: Orphanet 145, MedGen C0677776, MeSH D061325, MONDO:0003582. Disease mechanism: loss of function.

Submissions (3):

Labcorp Genetics (formerly Invitae), Labcorp
Classification: Uncertain significance for Hereditary breast ovarian cancer syndrome. Last evaluated: 2025-07-19. Review status: criteria provided, single submitter. Criteria: Invitae Variant Classification Sherloc (09022015). Collection method: clinical testing. Allele origin: germline.
Comment: This sequence change replaces proline, which is neutral and non-polar, with alanine, which is neutral and non-polar, at codon 201 of the BRCA2 protein (p.Pro201Ala). This variant is not present in population databases (gnomAD no frequency). This missense change has been observed in individual(s) with BRCA2-related conditions (PMID: 27886673). ClinVar contains an entry for this variant (Variation ID: 629263). Invitae Evidence Modeling of protein sequence and biophysical properties (such as structural, functional, and spatial information, amino acid conservation, physicochemical variation, residue mobility, and thermodynamic stability) indicates that this missense variant is not expected to disrupt BRCA2 protein function with a negative predictive value of 95%. In summary, the available evidence is currently insufficient to determine the role of this variant in disease. Therefore, it has been classified as a Variant of Uncertain Significance.

Color Diagnostics, LLC DBA Color Health
Classification: Uncertain significance for Hereditary cancer-predisposing syndrome. Last evaluated: 2019-04-28. Review status: criteria provided, single submitter. Criteria: ACMG Guidelines, 2015. Collection method: clinical testing. Allele origin: germline.

Ambry Genetics
Classification: Uncertain significance for Hereditary cancer-predisposing syndrome. Last evaluated: 2018-02-07. Review status: criteria provided, single submitter. Criteria: Ambry Variant Classification Scheme 2023. Collection method: clinical testing. Allele origin: germline.
Comment: The p.P201A variant (also known as c.601C>G), located in coding exon 6 of the BRCA2 gene, results from a C to G substitution at nucleotide position 601. The proline at codon 201 is replaced by alanine, an amino acid with highly similar properties. This amino acid position is highly conserved in available vertebrate species. In addition, this alteration is predicted to be tolerated by in silico analysis. Since supporting evidence is limited at this time, the clinical significance of this alteration remains unclear.

Literature cited by the submitters: PubMed 27886673 (cited by Labcorp Genetics (formerly Invitae), Labcorp).

NM_000059.4(BRCA2):c.601C>G (p.Pro201Ala)

Gene: BRCA2 (BRCA2 DNA repair associated; plus strand). Cytogenetic location: 13q13.1.
Variant type: single nucleotide variant.
Coding change: c.601C>G on transcript NM_000059.4 (MANE Select); coding-DNA position 601, C replaced by G.
Protein change: p.Pro201Ala; replaces proline 201 with alanine.
Molecular consequence: missense variant.
Genome position (GRCh38, 1-based): chr13:32,326,583, C>G. VCF-style: chr13-32326583-C-G. GRCh37 (hg19) VCF-style: chr13-32900720-C-G.
Other names: short protein forms P201A.
Identifiers: ClinVar variation 629263 (VCV000629263.19), dbSNP rs1555281093, ClinGen allele CA387758215.